The following is an entry in ClinVar:

NM_006059.4(LAMC3):c.4660C>T (p.Arg1554Cys)

Gene: LAMC3 (laminin subunit gamma 3; plus strand). Cytogenetic location: 9q34.12.
Variant type: single nucleotide variant.
Coding change: c.4660C>T on transcript NM_006059.4 (MANE Select); coding-DNA position 4660, C replaced by T.
Protein change: p.Arg1554Cys; replaces arginine 1554 with cysteine.
Molecular consequence: missense variant.
Genome position (GRCh38, 1-based): chr9:131,091,719, C>T. VCF-style: chr9-131091719-C-T. GRCh37 (hg19) VCF-style: chr9-133967106-C-T.
Other names: short protein forms R1554C.
Identifiers: ClinVar variation 1315563 (VCV001315563.10), dbSNP rs375971925, ClinGen allele CA5288245.

ClinVar aggregate classification (germline): Conflicting classifications of pathogenicity. Review status: criteria provided, conflicting classifications (1 of 4 stars). 3 submissions from 3 submitters: Uncertain significance (1); Likely benign (2). Last evaluated 2026-02-03.

Conditions:
LAMC3-related disorder. Also called: LAMC3-related condition.

Allele frequency attached by ClinVar (database versions not stated): gnomAD 0.00006; ESP Exome Variant Server 0.00008; 1000 Genomes Project 30x 0.00016; TOPMed 0.00019; 1000 Genomes Project 0.00020; ExAC 0.00028; gnomAD exomes 0.00028.
gnomAD v4.1: 104 of 1,612,852 alleles (0.0064%); highest among the groups gnomAD compares: Admixed American, 0.15%; no homozygotes.

Submissions (3):

PreventionGenetics, part of Exact Sciences
Classification: Likely benign for LAMC3-related condition. Last evaluated: 2026-02-03. Review status: criteria provided, single submitter. Criteria: ACMG Guidelines, 2015. Collection method: clinical testing. Allele origin: germline.
Comment: This variant is classified as likely benign based on ACMG/AMP sequence variant interpretation guidelines (Richards et al. 2015 PMID: 25741868, with internal and published modifications).

Labcorp Genetics (formerly Invitae), Labcorp
Classification: Likely benign. Last evaluated: 2025-12-21. Review status: criteria provided, single submitter. Criteria: Invitae Variant Classification Sherloc (09022015). Collection method: clinical testing. Allele origin: germline.

GeneDx
Classification: Uncertain significance. Last evaluated: 2021-11-02. Review status: criteria provided, single submitter. Criteria: GeneDx Variant Classification Process June 2021. Collection method: clinical testing. Allele origin: germline. Affected: yes.
Comment: In silico analysis supports that this missense variant has a deleterious effect on protein structure/function; Has not been previously published as pathogenic or benign to our knowledge